The following is an entry in ClinVar:

NM_133510.4(RAD51B):c.398G>A (p.Gly133Glu)

Gene: RAD51B (RAD51 paralog B; plus strand). Cytogenetic location: 14q24.1.
Variant type: single nucleotide variant.
Coding change: c.398G>A on transcript NM_133510.4 (MANE Select); coding-DNA position 398, G replaced by A.
Protein change: p.Gly133Glu; replaces glycine 133 with glutamic acid.
Molecular consequence: missense variant.
Genome position (GRCh38, 1-based): chr14:67,865,085, G>A. VCF-style: chr14-67865085-G-A. GRCh37 (hg19) VCF-style: chr14-68331802-G-A.
Other names: c.398G>A, p.Gly133Glu (NM_001321809.2, NM_001321810.2, NM_001321812.1 and 6 more transcripts); c.284G>A, p.Gly95Glu (NM_001321815.1); c.41G>A, p.Gly14Glu (NM_001321817.2); short protein forms G14E, G133E, G95E.
Identifiers: ClinVar variation 3786459 (VCV003786459.1).

ClinVar aggregate classification (germline): Uncertain significance (1 of 4 stars; one submission).

Submission:

Ambry Genetics
Classification: Uncertain significance. Last evaluated: 2025-02-19. Review status: criteria provided, single submitter. Criteria: Ambry Variant Classification Scheme 2023. Collection method: clinical testing. Allele origin: germline.
Comment: The p.G133E variant (also known as c.398G>A), located in coding exon 4 of the RAD51B gene, results from a G to A substitution at nucleotide position 398. The glycine at codon 133 is replaced by glutamic acid, an amino acid with similar properties. This amino acid position is conserved. In addition, this alteration is predicted to be deleterious by in silico analysis. Based on the available evidence, the clinical significance of this variant remains unclear.